The following is an entry in ClinVar:

NM_017617.5(NOTCH1):c.1242T>G (p.Asp414Glu)

Gene: NOTCH1 (notch receptor 1; minus strand). Cytogenetic location: 9q34.3.
Variant type: single nucleotide variant.
Coding change: c.1242T>G on transcript NM_017617.5 (MANE Select); coding-DNA position 1242, T replaced by G.
Protein change: p.Asp414Glu; replaces aspartic acid 414 with glutamic acid.
Molecular consequence: missense variant.
Genome position (GRCh38, 1-based): chr9:136,518,150, A>C on the plus strand (T>G on the coding strand, the complement: NOTCH1 is on the minus strand). VCF-style: chr9-136518150-A-C. GRCh37 (hg19) VCF-style: chr9-139412602-A-C.
Other names: short protein forms D414E.
Identifiers: ClinVar variation 835079 (VCV000835079.13), dbSNP rs1843307597, ClinGen allele CA375564383.

ClinVar aggregate classification (germline): Uncertain significance. Review status: criteria provided, multiple submitters, no conflicts (2 of 4 stars). 5 submissions from 4 submitters: Uncertain significance (5). Last evaluated 2026-02-19.

Conditions:
Adams-Oliver syndrome 5 (AOS5). Identifiers: Orphanet 974, MedGen C4014970, MONDO:0014459, OMIM 616028.
Familial thoracic aortic aneurysm and aortic dissection (TAAD). Also called: Thoracic aortic aneurysms and dissections. Identifiers: Orphanet 91387, MedGen C4707243, MONDO:0019625.
Aortic valve disease 1 (AOVD1). Identifiers: MedGen C3887892, MONDO:0024523, OMIM 109730.

Allele frequency attached by ClinVar (database versions not stated): gnomAD exomes 0.00001.
gnomAD v4.1: 3 of 1,591,062 alleles (0.00019%); highest among the groups gnomAD compares: Non-Finnish European, 0.00026%; no homozygotes.

Submissions (5):

Ambry Genetics
Classification: Uncertain significance for Familial thoracic aortic aneurysm and aortic dissection. Last evaluated: 2026-02-19. Review status: criteria provided, single submitter. Criteria: Ambry Variant Classification Scheme 2023. Collection method: clinical testing. Allele origin: germline.
Comment: The p.D414E variant (also known as c.1242T>G), located in coding exon 7 of the NOTCH1 gene, results from a T to G substitution at nucleotide position 1242. The aspartic acid at codon 414 is replaced by glutamic acid, an amino acid with highly similar properties. This amino acid position is conserved. In addition, the in silico prediction for this alteration is inconclusive. Based on the available evidence, the clinical significance of this variant remains unclear.

Genome-Nilou Lab
Classification: Uncertain significance for Adams-Oliver syndrome 5. Last evaluated: 2022-03-15. Review status: criteria provided, single submitter. Criteria: ACMG Guidelines, 2015. Collection method: clinical testing. Allele origin: germline. Affected: no.

Genome-Nilou Lab
Classification: Uncertain significance for Aortic valve disease 1. Last evaluated: 2022-03-15. Review status: criteria provided, single submitter. Criteria: ACMG Guidelines, 2015. Collection method: clinical testing. Allele origin: germline. Affected: no.

GeneDx
Classification: Uncertain significance. Last evaluated: 2020-06-25. Review status: criteria provided, single submitter. Criteria: GeneDx Variant Classification Process June 2021. Collection method: clinical testing. Allele origin: germline. Affected: yes.
Comment: Not observed in large population cohorts (Lek et al., 2016); In silico analysis supports that this missense variant has a deleterious effect on protein structure/function; Has not been previously published as pathogenic or benign to our knowledge

Labcorp Genetics (formerly Invitae), Labcorp
Classification: Uncertain significance for Adams-Oliver syndrome 5. Last evaluated: 2019-03-23. Review status: criteria provided, single submitter. Criteria: Invitae Variant Classification Sherloc (09022015). Collection method: clinical testing. Allele origin: germline.
Comment: This variant has not been reported in the literature in individuals with NOTCH1-related conditions. In summary, the available evidence is currently insufficient to determine the role of this variant in disease. Therefore, it has been classified as a Variant of Uncertain Significance. Algorithms developed to predict the effect of missense changes on protein structure and function are either unavailable or do not agree on the potential impact of this missense change (SIFT: "Deleterious"; PolyPhen-2: "Possibly Damaging"; Align-GVGD: "Class C0"). This variant is not present in population databases (ExAC no frequency). This sequence change replaces aspartic acid with glutamic acid at codon 414 of the NOTCH1 protein (p.Asp414Glu). The aspartic acid residue is highly conserved and there is a small physicochemical difference between aspartic acid and glutamic acid.